The following is an entry in ClinVar:

NM_006129.5(BMP1):c.2017G>A (p.Val673Ile)

Gene: BMP1 (bone morphogenetic protein 1; plus strand). Cytogenetic location: 8p21.3.
Variant type: single nucleotide variant.
Coding change: c.2017G>A on transcript NM_006129.5 (MANE Select); coding-DNA position 2017, G replaced by A.
Protein change: p.Val673Ile; replaces valine 673 with isoleucine.
Molecular consequence: missense variant. On other transcripts: non-coding transcript variant (2).
Genome position (GRCh38, 1-based): chr8:22,197,330, G>A. VCF-style: chr8-22197330-G-A. GRCh37 (hg19) VCF-style: chr8-22054843-G-A.
Other names: c.2017G>A, p.Val673Ile (NM_001199.4); short protein forms V673I.
Identifiers: ClinVar variation 2135378 (VCV002135378.4), dbSNP rs780119875, ClinGen allele CA4664912.

ClinVar aggregate classification (germline): Uncertain significance (1 of 4 stars; one submission).

Allele frequency attached by ClinVar (database versions not stated): gnomAD exomes below 0.00001; ExAC 0.00001.
gnomAD v4.1: 1 of 1,614,032 alleles (0.000062%); highest among the groups gnomAD compares: Non-Finnish European, 0.000085%; no homozygotes.

Submission:

Labcorp Genetics (formerly Invitae), Labcorp
Classification: Uncertain significance. Last evaluated: 2022-05-08. Review status: criteria provided, single submitter. Criteria: Invitae Variant Classification Sherloc (09022015). Collection method: clinical testing. Allele origin: germline.
Comment: In summary, the available evidence is currently insufficient to determine the role of this variant in disease. Therefore, it has been classified as a Variant of Uncertain Significance. Algorithms developed to predict the effect of missense changes on protein structure and function are either unavailable or do not agree on the potential impact of this missense change (SIFT: "Deleterious"; PolyPhen-2: "Benign"; Align-GVGD: "Class C25"). This variant has not been reported in the literature in individuals affected with BMP1-related conditions. This variant is present in population databases (rs780119875, gnomAD 0.0009%). This sequence change replaces valine, which is neutral and non-polar, with isoleucine, which is neutral and non-polar, at codon 673 of the BMP1 protein (p.Val673Ile).